The following is an entry in ClinVar:

ClinVar aggregate classification (germline): Benign (0 of 4 stars; one submission).

Conditions:
PRRC2A-related disorder. Also called: PRRC2A-related condition.

Allele frequency attached by ClinVar (database versions not stated): 1000 Genomes Project 0.00998; 1000 Genomes Project 30x 0.01109; gnomAD exomes 0.01386; ESP Exome Variant Server 0.01453; gnomAD 0.01468; ExAC 0.01516; TOPMed 0.01839.
gnomAD v4.1: 22,967 of 1,614,046 alleles (1.4%); highest among the groups gnomAD compares: Admixed American, 3.6%; 378 homozygotes.

Submission:

PreventionGenetics, part of Exact Sciences
Classification: Benign for PRRC2A-related condition. Last evaluated: 2019-04-01. Review status: no assertion criteria provided. Collection method: clinical testing. Allele origin: germline.
Comment: This variant is classified as benign based on ACMG/AMP sequence variant interpretation guidelines (Richards et al. 2015 PMID: 25741868, with internal and published modifications).

NM_004638.4(PRRC2A):c.5297A>G (p.Asp1766Gly)

Gene: PRRC2A (proline rich coiled-coil 2A; plus strand). Cytogenetic location: 6p21.33.
Variant type: single nucleotide variant.
Coding change: c.5297A>G on transcript NM_004638.4 (MANE Select); coding-DNA position 5297, A replaced by G.
Protein change: p.Asp1766Gly; replaces aspartic acid 1766 with glycine.
Molecular consequence: missense variant.
Genome position (GRCh38, 1-based): chr6:31,635,268, A>G. VCF-style: chr6-31635268-A-G. GRCh37 (hg19) VCF-style: chr6-31603045-A-G.
Other names: c.5297A>G, p.Asp1766Gly (NM_080686.3); short protein forms D1766G.
Identifiers: ClinVar variation 3055429 (VCV003055429.2), dbSNP rs35201773, ClinGen allele CA3716463.
Genomic context (GRCh38, chr6:31,635,268, plus strand): 5'-AGCCTGGCCCCATTCGGCCATCCCATCGACCTGGTCCCCCAGTCCAGTTTGGCACTAGTG[A>G]CAAGGTCTGTGTGGGCTGGATCTGGGTATCCTGAGTTGGGTGGAGAGAAGGGAAGGACTA-3'
Protein context (NP_004629.3, residues 1756-1776): PGPPVQFGTS[Asp1766Gly]KDSDLRLVVG